The following is an entry in ClinVar:

NM_017819.4(TRMT10C):c.1073G>A (p.Arg358His)

Gene: TRMT10C (tRNA methyltransferase 10C, mitochondrial RNase P subunit; plus strand). Cytogenetic location: 3q12.3.
Variant type: single nucleotide variant.
Coding change: c.1073G>A on transcript NM_017819.4 (MANE Select); coding-DNA position 1073, G replaced by A.
Protein change: p.Arg358His; replaces arginine 358 with histidine.
Molecular consequence: missense variant.
Genome position (GRCh38, 1-based): chr3:101,565,854, G>A. VCF-style: chr3-101565854-G-A. GRCh37 (hg19) VCF-style: chr3-101284698-G-A.
Other names: short protein forms R358H.
Identifiers: ClinVar variation 3682480 (VCV003682480.2).

ClinVar aggregate classification (germline): Uncertain significance (1 of 4 stars; one submission).

gnomAD v4.1: 4 of 1,613,972 alleles (0.00025%); highest among the groups gnomAD compares: African/African-American, 0.0013%; no homozygotes.

Submission:

Labcorp Genetics (formerly Invitae), Labcorp
Classification: Uncertain significance. Last evaluated: 2025-01-06. Review status: criteria provided, single submitter. Criteria: Invitae Variant Classification Sherloc (09022015). Collection method: clinical testing. Allele origin: germline.
Comment: This sequence change replaces arginine, which is basic and polar, with histidine, which is basic and polar, at codon 358 of the TRMT10C protein (p.Arg358His). This variant is present in population databases (no rsID available, gnomAD 0.0009%). This variant has not been reported in the literature in individuals affected with TRMT10C-related conditions. Invitae Evidence Modeling of protein sequence and biophysical properties (such as structural, functional, and spatial information, amino acid conservation, physicochemical variation, residue mobility, and thermodynamic stability) indicates that this missense variant is not expected to disrupt TRMT10C protein function with a negative predictive value of 80%. In summary, the available evidence is currently insufficient to determine the role of this variant in disease. Therefore, it has been classified as a Variant of Uncertain Significance.